The following is an entry in ClinVar:

NM_015178.3(RHOBTB2):c.1124G>A (p.Gly375Glu)

Gene: RHOBTB2 (Rho related BTB domain containing 2; plus strand). Cytogenetic location: 8p21.3.
Variant type: single nucleotide variant.
Coding change: c.1124G>A on transcript NM_015178.3 (MANE Select); coding-DNA position 1124, G replaced by A.
Protein change: p.Gly375Glu; replaces glycine 375 with glutamic acid.
Molecular consequence: missense variant.
Genome position (GRCh38, 1-based): chr8:23,007,369, G>A. VCF-style: chr8-23007369-G-A. GRCh37 (hg19) VCF-style: chr8-22864882-G-A.
Other names: c.1190G>A, p.Gly397Glu (NM_001160036.2); c.1145G>A, p.Gly382Glu (NM_001160037.2); c.1124G>A, p.Gly375Glu (NM_001374791.1); short protein forms G397E, G375E, G382E.
Identifiers: ClinVar variation 3788920 (VCV003788920.2).

ClinVar aggregate classification (germline): Uncertain significance. Review status: criteria provided, multiple submitters, no conflicts (2 of 4 stars). 2 submissions from 2 submitters: Uncertain significance (2). Last evaluated 2025-10-17.

Conditions:
Inborn genetic diseases. Identifiers: MedGen C0950123, MeSH D030342.

Submissions (2):

Labcorp Genetics (formerly Invitae), Labcorp
Classification: Uncertain significance. Last evaluated: 2025-10-17. Review status: criteria provided, single submitter. Criteria: Invitae Variant Classification Sherloc (09022015). Collection method: clinical testing. Allele origin: germline.
Comment: This sequence change replaces glycine, which is neutral and non-polar, with glutamic acid, which is acidic and polar, at codon 397 of the RHOBTB2 protein (p.Gly397Glu). This variant is present in population databases (no rsID available, gnomAD 0.003%). This variant has not been reported in the literature in individuals affected with RHOBTB2-related conditions. ClinVar contains an entry for this variant (Variation ID: 3788920). Invitae Evidence Modeling of protein sequence and biophysical properties (such as structural, functional, and spatial information, amino acid conservation, physicochemical variation, residue mobility, and thermodynamic stability) indicates that this missense variant is not expected to disrupt RHOBTB2 protein function with a negative predictive value of 80%. In summary, the available evidence is currently insufficient to determine the role of this variant in disease. Therefore, it has been classified as a Variant of Uncertain Significance.

Ambry Genetics
Classification: Uncertain significance for Inborn genetic diseases. Last evaluated: 2025-03-01. Review status: criteria provided, single submitter. Criteria: Ambry Variant Classification Scheme 2023. Collection method: clinical testing. Allele origin: germline.